The following is an entry in ClinVar:

ClinVar aggregate classification (germline): Pathogenic (0 of 4 stars; one submission).

Conditions:
Childhood apraxia of speech (SPCH1). Also called: Speech language disorder; DEVELOPMENTAL VERBAL DYSPRAXIA; SPEECH AND LANGUAGE DISORDER WITH OROFACIAL DYSPRAXIA; FOXP2-Related Speech and Language Disorder. Identifiers: Orphanet 209908, MedGen C0750927, MONDO:0011184, OMIM 602081.

Submission:

GeneReviews
Classification: Pathogenic for Childhood apraxia of speech. Last evaluated: 2016-03-02. Review status: no assertion criteria provided. Collection method: literature only. Allele origin: germline. Affected: yes. Observed: 1 variant allele.
Comment: Speech: Severe dyspraxia Language: Language delay Other: ASD

Literature cited by the submitters: PubMed 17033973.

7q31.2-q32, 26 Mb deletion

Gene: FOXP2 (forkhead box P2; plus strand). Cytogenetic location: 7q31.1.
Variant type: Deletion.
Identifiers: ClinVar variation 242969 (VCV000242969.1).